The following is an entry in ClinVar:

ClinVar aggregate classification (germline): Benign. Review status: criteria provided, multiple submitters, no conflicts (2 of 4 stars). 5 submissions from 5 submitters: Benign (4). 1 of the submissions does not count toward it. Last evaluated 2025-12-25.

Conditions:
SLC2A9-related disorder. Also called: SLC2A9-related condition.
Hypouricemia, renal, 2. Also called: HYPOURICEMIA, RENAL, 2, AUTOSOMAL DOMINANT; HYPOURICEMIA, RENAL, 2, AUTOSOMAL RECESSIVE. Identifiers: MedGen C2677549, MONDO:0012793, OMIM 612076.

Allele frequency attached by ClinVar (database versions not stated): gnomAD exomes 0.00107 and 0.00273; ExAC 0.00321; gnomAD 0.01053 and 0.01119; TOPMed 0.01179; ESP Exome Variant Server 0.01184; 1000 Genomes Project 0.01258; 1000 Genomes Project 30x 0.01452.
gnomAD v4.1: 3,213 of 1,613,926 alleles (0.2%); highest among the groups gnomAD compares: African/African-American, 3.7%; 51 homozygotes.

Submissions (5):

Labcorp Genetics (formerly Invitae), Labcorp
Classification: Benign. Last evaluated: 2025-12-25. Review status: criteria provided, single submitter. Criteria: Invitae Variant Classification Sherloc (09022015). Collection method: clinical testing. Allele origin: germline.

Mayo Clinic Laboratories, Mayo Clinic
Classification: Benign. Last evaluated: 2024-09-23. Review status: criteria provided, single submitter. Criteria: ACMG Guidelines, 2015. Collection method: clinical testing. Allele origin: germline. Observed: 2 variant alleles.
Comment: BS1, BS2, BP4

Illumina Laboratory Services, Illumina
Classification: Benign for Hypouricemia, renal, 2. Last evaluated: 2018-01-13. Review status: criteria provided, single submitter. Criteria: ICSL Variant Classification Criteria 13 December 2019. Collection method: clinical testing. Allele origin: germline.
Comment: This variant was observed in the ICSL laboratory as part of a predisposition screen in an ostensibly healthy population. It had not been previously curated by ICSL or reported in the Human Gene Mutation Database (HGMD: prior to June 1st, 2018), and was therefore a candidate for classification through an automated scoring system. Utilizing variant allele frequency, disease prevalence and penetrance estimates, and inheritance mode, an automated score was calculated to assess if this variant is too frequent to cause the disease. Based on the score and internal cut-off values, a variant classified as benign is not then subjected to further curation. The score for this variant resulted in a classification of benign for this disease.

Breakthrough Genomics
Classification: Benign. Review status: criteria provided, single submitter. Criteria: ACMG Guidelines, 2015. Collection method: not provided. Allele origin: germline. Inheritance: Autosomal dominant inheritance. Affected: yes.

PreventionGenetics, part of Exact Sciences
Classification: Benign for SLC2A9-related condition. Last evaluated: 2019-03-04. Review status: no assertion criteria provided. Collection method: clinical testing. Allele origin: germline. Not counted in ClinVar's aggregate classification.
Comment: This variant is classified as benign based on ACMG/AMP sequence variant interpretation guidelines (Richards et al. 2015 PMID: 25741868, with internal and published modifications).

NM_020041.3(SLC2A9):c.1046C>T (p.Pro349Leu)

Gene: SLC2A9 (solute carrier family 2 member 9; minus strand). Cytogenetic location: 4p16.1.
Variant type: single nucleotide variant.
Coding change: c.1046C>T on transcript NM_020041.3 (MANE Select); coding-DNA position 1046, C replaced by T.
Protein change: p.Pro349Leu; replaces proline 349 with leucine.
Molecular consequence: missense variant.
Genome position (GRCh38, 1-based): chr4:9,908,302, G>A on the plus strand (C>T on the coding strand, the complement: SLC2A9 is on the minus strand). VCF-style: chr4-9908302-G-A. GRCh37 (hg19) VCF-style: chr4-9909926-G-A.
Other names: p.Pro349Leu; c.959C>T, p.Pro320Leu (NM_001001290.2); short protein forms P320L, P349L.
Identifiers: ClinVar variation 350208 (VCV000350208.16), dbSNP rs116742917, ClinGen allele CA2856996.